The following is an entry in ClinVar:

NM_001042432.2(CLN3):c.264A>C (p.Ser88=)

Gene: CLN3 (CLN3 lysosomal/endosomal transmembrane protein, battenin; minus strand). Cytogenetic location: 16p12.1.
Variant type: single nucleotide variant.
Coding change: c.264A>C on transcript NM_001042432.2 (MANE Select); coding-DNA position 264, A replaced by C.
Protein change: p.Ser88=; no amino-acid change (serine 88 retained).
Molecular consequence: synonymous variant. On other transcripts: missense variant (1), intron variant (2).
Genome position (GRCh38, 1-based): chr16:28,488,621, T>G on the plus strand (A>C on the coding strand, the complement: CLN3 is on the minus strand). VCF-style: chr16-28488621-T-G. GRCh37 (hg19) VCF-style: chr16-28499942-T-G.
Other names: p.S88S:TCA>TCC; c.264A>C, p.Ser88= (NM_000086.2); c.44A>C, p.His15Pro (NM_001286105.2); c.102A>C, p.Ser34= (NM_001286110.2); c.60+669A>C (NM_001286109.2); c.222+669A>C (NM_001286104.2); short protein forms H15P.
Identifiers: ClinVar variation 205085 (VCV000205085.10), dbSNP rs751321507, ClinGen allele CA313690.

ClinVar aggregate classification (germline): Benign/Likely benign. Review status: criteria provided, multiple submitters, no conflicts (2 of 4 stars). 2 submissions from 2 submitters: Benign (1); Likely benign (1). Last evaluated 2025-12-10.

Conditions:
Neuronal ceroid lipofuscinosis. Also called: Neuronal Ceroid Lipofuscinoses. Identifiers: Orphanet 216, Orphanet 79263, MedGen C0027877, MONDO:0016295. Disease mechanism: loss of function.

Allele frequency attached by ClinVar (database versions not stated): gnomAD exomes 0.00001; ExAC 0.00002; gnomAD 0.00003 and 0.00004; TOPMed 0.00006.
gnomAD v4.1: 11 of 1,613,978 alleles (0.00068%); highest among the groups gnomAD compares: African/African-American, 0.011%; no homozygotes.

Submissions (2):

Labcorp Genetics (formerly Invitae), Labcorp
Classification: Likely benign for Neuronal ceroid lipofuscinosis. Last evaluated: 2025-12-10. Review status: criteria provided, single submitter. Criteria: Invitae Variant Classification Sherloc (09022015). Collection method: clinical testing. Allele origin: germline.

GeneDx
Classification: Benign. Last evaluated: 2014-10-02. Review status: criteria provided, single submitter. Criteria: GeneDx Variant Classification (06012015). Collection method: clinical testing. Allele origin: germline. Affected: yes.
Comment: This variant is considered likely benign or benign based on one or more of the following criteria: it is a conservative change, it occurs at a poorly conserved position in the protein, it is predicted to be benign by multiple in silico algorithms, and/or has population frequency not consistent with disease.